The following is an entry in ClinVar:

NM_000051.4(ATM):c.7997C>A (p.Thr2666Asn)

Genes: ATM (ATM serine/threonine kinase; plus strand), C11orf65 (chromosome 11 open reading frame 65; minus strand). Cytogenetic location: 11q22.3.
Variant type: single nucleotide variant.
Coding change: c.7997C>A on transcript NM_000051.4 (MANE Select); coding-DNA position 7997, C replaced by A.
Protein change: p.Thr2666Asn; replaces threonine 2666 with asparagine.
Molecular consequence: missense variant. On other transcripts: intron variant (2).
Genome position (GRCh38, 1-based): chr11:108,333,955, C>A. VCF-style: chr11-108333955-C-A. GRCh37 (hg19) VCF-style: chr11-108204682-C-A.
Other names: p.T2666N:ACT>AAT; c.7997C>A, p.Thr2666Asn (NM_001351834.2); c.641-24884G>T (NM_001330368.2); c.*38+1265G>T (NM_001351110.2); short protein forms T2666N.
Identifiers: ClinVar variation 181984 (VCV000181984.21), dbSNP rs730881384, ClinGen allele CA298325.

ClinVar aggregate classification (germline): Pathogenic/Likely pathogenic. Review status: criteria provided, multiple submitters, no conflicts (2 of 4 stars). 4 submissions from 4 submitters: Pathogenic (1); Likely pathogenic (3). Last evaluated 2025-10-10.

Conditions:
Hereditary cancer-predisposing syndrome. Also called: Hereditary Cancer Syndrome; Tumor predisposition; Neoplastic Syndromes, Hereditary; Hereditary neoplastic syndrome. Identifiers: Orphanet 140162, MedGen C0027672, MeSH D009386, MONDO:0015356.
Ataxia-telangiectasia syndrome (AT). Also called: ATAXIA-TELANGIECTASIA, COMPLEMENTATION GROUP A; ATAXIA-TELANGIECTASIA, FRESNO VARIANT; Ataxia-telangiectasia; Ataxia-telangiectasia, complementation group E; Cerebello-oculocutaneous telangiectasia; Immunodeficiency with ataxia telangiectasia. Identifiers: Orphanet 100, MedGen C0004135, MONDO:0008840, OMIM 208900.
Familial cancer of breast. Also called: hereditary breast carcinoma; BREAST CANCER, FAMILIAL; Hereditary breast cancer. Identifiers: Orphanet 227535, MedGen C0346153, MONDO:0016419, OMIM 114480. Disease mechanism: loss of function.

Allele frequency attached by ClinVar (database versions not stated): gnomAD exomes below 0.00001; TOPMed 0.00002; gnomAD 0.00001.
gnomAD v4.1: 2 of 1,609,208 alleles (0.00012%); highest among the groups gnomAD compares: African/African-American, 0.0027%; no homozygotes.

Submissions (4):

Labcorp Genetics (formerly Invitae), Labcorp
Classification: Pathogenic for Ataxia-telangiectasia syndrome. Last evaluated: 2025-10-10. Review status: criteria provided, single submitter. Criteria: Invitae Variant Classification Sherloc (09022015). Collection method: clinical testing. Allele origin: germline.
Comment: This sequence change replaces threonine, which is neutral and polar, with asparagine, which is neutral and polar, at codon 2666 of the ATM protein (p.Thr2666Asn). This variant is not present in population databases (gnomAD no frequency). This missense change has been observed in individual(s) with a disorder of the central nervous system, prostate cancer and/or ataxia-telangiectasia (PMID: 26633542, 32832836; external communication). It has also been observed to segregate with disease in related individuals. ClinVar contains an entry for this variant (Variation ID: 181984). Invitae Evidence Modeling of protein sequence and biophysical properties (such as structural, functional, and spatial information, amino acid conservation, physicochemical variation, residue mobility, and thermodynamic stability) indicates that this missense variant is expected to disrupt ATM protein function with a positive predictive value of 95%. For these reasons, this variant has been classified as Pathogenic.

Ambry Genetics
Classification: Likely pathogenic for Hereditary cancer-predisposing syndrome. Last evaluated: 2025-07-31. Review status: criteria provided, single submitter. Criteria: Ambry Variant Classification Scheme 2023. Collection method: clinical testing. Allele origin: germline.
Comment: The p.T2666N variant (also known as c.7997C>A), located in coding exon 53 of the ATM gene, results from a C to A substitution at nucleotide position 7997. The threonine at codon 2666 is replaced by asparagine, an amino acid with similar properties. This alteration has been detected in an individual with an unspecified abnormality of the nervous system (Retterer K. et al. Genet. Med. 2016 07;18(7):696-704). In addition, this alteration has been detected in conjunction with another pathogenic ATM mutation in two individuals with clinical features consistent with ataxia telangiectasia (personal communication). This variant is considered to be rare based on population cohorts in the Genome Aggregation Database (gnomAD). This amino acid position is highly conserved in available vertebrate species. In addition, the in silico prediction for this alteration is inconclusive. Based on the majority of available evidence to date, this variant is likely to be pathogenic.

Baylor Genetics
Classification: Likely pathogenic for Familial cancer of breast. Last evaluated: 2023-10-17. Review status: criteria provided, single submitter. Criteria: ACMG Guidelines, 2015. Collection method: clinical testing. Allele origin: unknown.

GeneDx
Classification: Likely pathogenic. Last evaluated: 2023-09-22. Review status: criteria provided, single submitter. Criteria: GeneDx Variant Classification Process June 2021. Collection method: clinical testing. Allele origin: germline. Affected: yes.
Comment: Not observed at significant frequency in large population cohorts (gnomAD); In silico analysis supports that this missense variant has a deleterious effect on protein structure/function; This variant is associated with the following publications: (PMID: 26633542, 32906206, 32832836)

Literature cited by the submitters: PubMed 26633542 (cited by Labcorp Genetics (formerly Invitae), Labcorp); PubMed 32832836 (cited by Labcorp Genetics (formerly Invitae), Labcorp and Ambry Genetics); PubMed 32906206 (cited by Ambry Genetics).